The following is an entry in ClinVar:

NM_001283009.2(RTEL1):c.3482A>C (p.His1161Pro)

Genes: RTEL1 (regulator of telomere elongation helicase 1; plus strand), RTEL1-TNFRSF6B (RTEL1-TNFRSF6B readthrough (NMD candidate); plus strand). Cytogenetic location: 20q13.33.
Variant type: single nucleotide variant.
Coding change: c.3482A>C on transcript NM_001283009.2 (MANE Select); coding-DNA position 3482, A replaced by C.
Protein change: p.His1161Pro; replaces histidine 1161 with proline.
Molecular consequence: missense variant. On other transcripts: non-coding transcript variant (1).
Genome position (GRCh38, 1-based): chr20:63,695,204, A>C. VCF-style: chr20-63695204-A-C. GRCh37 (hg19) VCF-style: chr20-62326557-A-C.
Other names: c.2813A>C, p.His938Pro (NM_001283010.1); c.3482A>C, p.His1161Pro (NM_016434.4); c.3554A>C, p.His1185Pro (NM_032957.5); short protein forms H938P, H1161P, H1185P.
Identifiers: ClinVar variation 4629614 (VCV004629614.1).
Genomic context (GRCh38, chr20:63,695,204, plus strand): 5'-CGGGCATGGAGCCACCGGGACCCCAGGAGGAGAGGCTTGCCGTGCCTCCTGTGCTTACCC[A>C]CAGGGCTCCCCAACCAGGTAGGGCACCTGCCTGGCTGCTCCTGGCAGCGCCCCAACCGCA-3'
Protein context (NP_001269938.1, residues 1151-1171): ERLAVPPVLT[His1161Pro]RAPQPGPSRS

ClinVar aggregate classification (germline): Uncertain significance (1 of 4 stars; one submission).

Conditions:
Inborn genetic diseases. Identifiers: MedGen C0950123, MeSH D030342.

Submission:

Ambry Genetics
Classification: Uncertain significance for Inborn genetic diseases. Last evaluated: 2025-11-19. Review status: criteria provided, single submitter. Criteria: Ambry Variant Classification Scheme 2023. Collection method: clinical testing. Allele origin: germline.
Comment: The p.H1161P variant (also known as c.3482A>C), located in coding exon 32 of the RTEL1 gene, results from an A to C substitution at nucleotide position 3482. The histidine at codon 1161 is replaced by proline, an amino acid with similar properties. This amino acid position is conserved. In addition, this alteration is predicted to be tolerated by in silico analysis. Based on the available evidence, the clinical significance of this variant remains unclear.